The following is an entry in ClinVar:

NM_000081.4(LYST):c.2909T>C (p.Ile970Thr)

Gene: LYST (lysosomal trafficking regulator; minus strand). Cytogenetic location: 1q42.3.
Variant type: single nucleotide variant.
Coding change: c.2909T>C on transcript NM_000081.4 (MANE Select); coding-DNA position 2909, T replaced by C.
Protein change: p.Ile970Thr; replaces isoleucine 970 with threonine.
Molecular consequence: missense variant.
Genome position (GRCh38, 1-based): chr1:235,806,227, A>G on the plus strand (T>C on the coding strand, the complement: LYST is on the minus strand). VCF-style: chr1-235806227-A-G. GRCh37 (hg19) VCF-style: chr1-235969527-A-G.
Other names: c.2909T>C, p.Ile970Thr (NM_001301365.1); short protein forms I970T.
Identifiers: ClinVar variation 953487 (VCV000953487.11), dbSNP rs141758032, ClinGen allele CA1467183.

ClinVar aggregate classification (germline): Uncertain significance. Review status: criteria provided, multiple submitters, no conflicts (2 of 4 stars). 4 submissions from 4 submitters: Uncertain significance (4). Last evaluated 2025-06-09.

Conditions:
Inborn genetic diseases. Identifiers: MedGen C0950123, MeSH D030342.
Chédiak-Higashi syndrome (CHS). Also called: Chediak-Higashi Syndrome. Identifiers: Orphanet 167, MedGen C0007965, MONDO:0008963, OMIM 214500.

Allele frequency attached by ClinVar (database versions not stated): ExAC 0.00002; ESP Exome Variant Server 0.00008; 1000 Genomes Project 0.00020; 1000 Genomes Project 30x 0.00047.
gnomAD v4.1: 46 of 1,614,032 alleles (0.0029%); highest among the groups gnomAD compares: African/African-American, 0.057%; no homozygotes.

Submissions (4):

Labcorp Genetics (formerly Invitae), Labcorp
Classification: Uncertain significance for Chédiak-Higashi syndrome. Last evaluated: 2025-06-09. Review status: criteria provided, single submitter. Criteria: Invitae Variant Classification Sherloc (09022015). Collection method: clinical testing. Allele origin: germline.
Comment: This sequence change replaces isoleucine, which is neutral and non-polar, with threonine, which is neutral and polar, at codon 970 of the LYST protein (p.Ile970Thr). This variant is present in population databases (rs141758032, gnomAD 0.05%). This variant has not been reported in the literature in individuals affected with LYST-related conditions. ClinVar contains an entry for this variant (Variation ID: 953487). Invitae Evidence Modeling of protein sequence and biophysical properties (such as structural, functional, and spatial information, amino acid conservation, physicochemical variation, residue mobility, and thermodynamic stability) indicates that this missense variant is not expected to disrupt LYST protein function with a negative predictive value of 80%. In summary, the available evidence is currently insufficient to determine the role of this variant in disease. Therefore, it has been classified as a Variant of Uncertain Significance.

Ambry Genetics
Classification: Uncertain significance for Inborn genetic diseases. Last evaluated: 2024-11-09. Review status: criteria provided, single submitter. Criteria: Ambry Variant Classification Scheme 2023. Collection method: clinical testing. Allele origin: germline.

Blueprint Genetics
Classification: Uncertain significance. Last evaluated: 2024-06-05. Review status: criteria provided, single submitter. Criteria: ACMG Guidelines, 2015. Collection method: clinical testing. Allele origin: germline.

GeneDx
Classification: Uncertain significance. Last evaluated: 2022-01-04. Review status: criteria provided, single submitter. Criteria: GeneDx Variant Classification Process June 2021. Collection method: clinical testing. Allele origin: germline. Affected: yes.
Comment: In silico analysis supports that this missense variant does not alter protein structure/function; Has not been previously published as pathogenic or benign to our knowledge